The following is an entry in ClinVar:

NM_001267550.2(TTN):c.46984C>T (p.Arg15662Cys)

Genes: TTN (titin; minus strand), TTN-AS1 (TTN antisense RNA 1; plus strand). Cytogenetic location: 2q31.2.
Variant type: single nucleotide variant.
Coding change: c.46984C>T on transcript NM_001267550.2 (MANE Select); coding-DNA position 46984, C replaced by T.
Protein change: p.Arg15662Cys; replaces arginine 15662 with cysteine.
Molecular consequence: missense variant.
Genome position (GRCh38, 1-based): chr2:178,618,474, G>A on the plus strand (C>T on the coding strand, the complement: TTN is on the minus strand). VCF-style: chr2-178618474-G-A. GRCh37 (hg19) VCF-style: chr2-179483201-G-A.
Other names: c.42061C>T, p.Arg14021Cys (NM_001256850.1); c.19789C>T, p.Arg6597Cys (NM_003319.4); c.39280C>T, p.Arg13094Cys (NM_133378.4); c.20164C>T, p.Arg6722Cys (NM_133432.3); c.20365C>T, p.Arg6789Cys (NM_133437.4); c.46984C>T (NM_001267550.1); short protein forms R13094C, R15662C, R14021C, R6722C, R6597C, R6789C.
Identifiers: ClinVar variation 287681 (VCV000287681.14), dbSNP rs762723635, ClinGen allele CA1995134.

ClinVar aggregate classification (germline): Uncertain significance. Review status: criteria provided, multiple submitters, no conflicts (2 of 4 stars). 6 submissions from 6 submitters: Uncertain significance (6). Last evaluated 2025-08-02.

Conditions:
Cardiovascular phenotype. Identifiers: MedGen CN230736.
Tibial muscular dystrophy (TMD). Also called: Tibial muscular dystrophy, tardive; UDD MYOPATHY; Udd Distal Myopathy – Tibial Muscular Dystrophy. Identifiers: Orphanet 609, MedGen C1838244, MONDO:0010870, OMIM 600334.
Hypertrophic cardiomyopathy 9. Also called: Familial hypertrophic cardiomyopathy 9. Identifiers: MedGen C1861065, MONDO:0013412, OMIM 613765.
Myopathy, myofibrillar, 9, with early respiratory failure (MFM9). Also called: Hereditary myopathy with early respiratory failure; EDSTROM MYOPATHY; MYOPATHY, PROXIMAL, WITH EARLY RESPIRATORY MUSCLE INVOLVEMENT; Myopathy, distal, with early respiratory failure, autosomal dominant. Identifiers: Orphanet 178464, Orphanet 34521, MedGen C1863599, MONDO:0011362, OMIM 603689.
Autosomal recessive limb-girdle muscular dystrophy type 2J (LGMDR10). Also called: Limb-girdle muscular dystrophy, type 2J; MUSCULAR DYSTROPHY, LIMB-GIRDLE, AUTOSOMAL RECESSIVE 10. Identifiers: Orphanet 140922, MedGen C1837342, MONDO:0012127, OMIM 608807.
Early-onset myopathy with fatal cardiomyopathy (CMYO5). Also called: Salih Myopathy; CONGENITAL MYOPATHY 5 WITH CARDIOMYOPATHY. Identifiers: Orphanet 289377, MedGen C2673677, MONDO:0012714, OMIM 611705. Disease mechanism: loss of function.
Dilated cardiomyopathy 1G (CMD1G). Identifiers: Orphanet 154, MedGen C1858763, MONDO:0011400, OMIM 604145.
Cardiomyopathy (CMYO). Also called: Cardiomyopathies. Identifiers: Orphanet 167848, MedGen C0878544, MONDO:0004994, HP:0001638. Inheritance: Various modes of inheritance.

Allele frequency attached by ClinVar (database versions not stated): ExAC 0.00001; gnomAD exomes 0.00001; gnomAD 0.00003; TOPMed 0.00003.
gnomAD v4.1: 14 of 1,612,170 alleles (0.00087%); highest among the groups gnomAD compares: African/African-American, 0.008%; no homozygotes.

Submissions (6):

GeneDx
Classification: Uncertain significance. Last evaluated: 2025-08-02. Review status: criteria provided, single submitter. Criteria: GeneDx Variant Classification Process June 2021. Collection method: clinical testing. Allele origin: germline. Affected: yes.
Comment: Not observed at significant frequency in large population cohorts (gnomAD); Missense variant in a gene in which most reported pathogenic variants are truncating/loss of function; Has not been previously published as pathogenic or benign to our knowledge

Revvity Omics, Revvity
Classification: Uncertain significance. Last evaluated: 2024-04-11. Review status: criteria provided, single submitter. Criteria: ACMG Guidelines, 2015. Collection method: clinical testing. Allele origin: germline.

Fulgent Genetics
Classification: Uncertain significance for Tibial muscular dystrophy; Myopathy, myofibrillar, 9, with early respiratory failure; Dilated cardiomyopathy 1G; Autosomal recessive limb-girdle muscular dystrophy type 2J; Early-onset myopathy with fatal cardiomyopathy; Hypertrophic cardiomyopathy 9. Last evaluated: 2022-02-24. Review status: criteria provided, single submitter. Criteria: ACMG Guidelines, 2015. Collection method: clinical testing. Allele origin: unknown.

Ambry Genetics
Classification: Uncertain significance for Cardiovascular phenotype. Last evaluated: 2020-01-07. Review status: criteria provided, single submitter. Criteria: Ambry Variant Classification Scheme 2023. Collection method: clinical testing. Allele origin: germline.
Comment: The p.R6597C variant (also known as c.19789C>T), located in coding exon 79 of the TTN gene, results from a C to T substitution at nucleotide position 19789. The arginine at codon 6597 is replaced by cysteine, an amino acid with highly dissimilar properties. This amino acid position is not well conserved in available vertebrate species. In addition, this alteration is predicted to be tolerated by in silico analysis. Since supporting evidence is limited at this time, the clinical significance of this alteration remains unclear.

CHEO Genetics Diagnostic Laboratory, Children's Hospital of Eastern Ontario
Classification: Uncertain significance for Cardiomyopathy. Last evaluated: 2019-11-08. Review status: criteria provided, single submitter. Criteria: ACMG Guidelines, 2015. Collection method: clinical testing. Allele origin: germline.

Eurofins Ntd Llc (ga)
Classification: Uncertain significance. Last evaluated: 2016-05-04. Review status: criteria provided, single submitter. Criteria: EGL Classification Definitions 2015. Collection method: clinical testing. Allele origin: germline. Observed: 1 variant allele, 1 heterozygote.